The following is an entry in ClinVar:

ClinVar aggregate classification (germline): Likely benign. Review status: criteria provided, multiple submitters, no conflicts (2 of 4 stars). 3 submissions from 3 submitters: Likely benign (3). Last evaluated 2026-01-29.

Allele frequency attached by ClinVar (database versions not stated): TOPMed 0.00007; ExAC 0.00009; gnomAD 0.00009; gnomAD exomes 0.00009 and 0.00017.
gnomAD v4.1: 259 of 1,612,526 alleles (0.016%); highest among the groups gnomAD compares: Non-Finnish European, 0.021%; no homozygotes.

Submissions (3):

Labcorp Genetics (formerly Invitae), Labcorp
Classification: Likely benign. Last evaluated: 2026-01-29. Review status: criteria provided, single submitter. Criteria: Invitae Variant Classification Sherloc (09022015). Collection method: clinical testing. Allele origin: germline.

CeGaT Center for Human Genetics Tuebingen
Classification: Likely benign. Last evaluated: 2024-11-01. Review status: criteria provided, single submitter. Criteria: CeGaT Center For Human Genetics Tuebingen Variant Classification Criteria Version 2. Collection method: clinical testing. Allele origin: germline. Affected: yes. Observed: 1 variant allele.
Comment: LIG1: BP4, BP7

Blueprint Genetics
Classification: Likely benign. Last evaluated: 2024-06-14. Review status: criteria provided, single submitter. Criteria: ACMG Guidelines, 2015. Collection method: clinical testing. Allele origin: germline.

NM_000234.3(LIG1):c.1320G>A (p.Arg440=)

Gene: LIG1 (DNA ligase 1; minus strand). Cytogenetic location: 19q13.33.
Variant type: single nucleotide variant.
Coding change: c.1320G>A on transcript NM_000234.3 (MANE Select); coding-DNA position 1320, G replaced by A.
Protein change: p.Arg440=; no amino-acid change (arginine 440 retained).
Molecular consequence: synonymous variant. On other transcripts: non-coding transcript variant (6).
Genome position (GRCh38, 1-based): chr19:48,137,019, C>T on the plus strand (G>A on the coding strand, the complement: LIG1 is on the minus strand). VCF-style: chr19-48137019-C-T. GRCh37 (hg19) VCF-style: chr19-48640276-C-T.
Other names: c.1227G>A, p.Arg409= (NM_001289063.2); c.1116G>A, p.Arg372= (NM_001289064.2); c.1317G>A, p.Arg439= (NM_001320970.2); c.1230G>A, p.Arg410= (NM_001320971.2).
Identifiers: ClinVar variation 1560947 (VCV001560947.24), dbSNP rs766768659, ClinGen allele CA9546873.
Genomic context (GRCh38, chr19:48,137,019, plus strand): 5'-CTCCGAGCCTGCAGTCCCCCTCTGTAGCCTCACAGGCCCACACGCTTACCTAGCGATGAA[C>T]CGGGCTTCTGAGTGGCGGCAGGCCACAAAGAGGCCTTTGATGATGTCTATCTTCTTGGCT-3'
Protein context (NP_000225.1, residues 430-450): LFVACRHSEA[Arg440=]FIARSLSGRL